The following is an entry in ClinVar:

ClinVar aggregate classification (germline): Conflicting classifications of pathogenicity. Review status: criteria provided, conflicting classifications (1 of 4 stars). 6 submissions from 6 submitters: Uncertain significance (1); Benign (1); Likely benign (3). 1 of the submissions does not count toward it. Last evaluated 2026-05-27.

Conditions:
Alport syndrome. Also called: Hemorrhagic familial nephritis; Hemorrhagic hereditary nephritis; Congenital hereditary hematuria. Identifiers: Orphanet 63, MedGen C1567741, MONDO:0018965.
COL4A4-related disorder.

Allele frequency attached by ClinVar (database versions not stated): ESP Exome Variant Server 0.00025; gnomAD exomes 0.00037 and 0.00050; ExAC 0.00038; gnomAD 0.00044 and 0.00046; TOPMed 0.00045; 1000 Genomes Project 0.00060; 1000 Genomes Project 30x 0.00062.
gnomAD v4.1: 626 of 1,613,658 alleles (0.039%); highest among the groups gnomAD compares: East Asian, 0.32%; 1 homozygote.

Submissions (6):

Women's Health and Genetics/Laboratory Corporation of America, LabCorp
Classification: Likely benign. Last evaluated: 2026-05-27. Review status: criteria provided, single submitter. Criteria: LabCorp Variant Classification Summary - May 2015. Collection method: clinical testing. Allele origin: germline.

Labcorp Genetics (formerly Invitae), Labcorp
Classification: Benign. Last evaluated: 2026-02-01. Review status: criteria provided, single submitter. Criteria: Invitae Variant Classification Sherloc (09022015). Collection method: clinical testing. Allele origin: germline.

Blueprint Genetics
Classification: Likely benign. Last evaluated: 2024-10-30. Review status: criteria provided, single submitter. Criteria: ACMG Guidelines, 2015. Collection method: clinical testing. Allele origin: germline.

GeneDx
Classification: Likely benign. Last evaluated: 2021-09-20. Review status: criteria provided, single submitter. Criteria: GeneDx Variant Classification Process June 2021. Collection method: clinical testing. Allele origin: germline. Affected: yes.

Illumina Laboratory Services, Illumina
Classification: Uncertain significance for Alport syndrome. Last evaluated: 2018-01-12. Review status: criteria provided, single submitter. Criteria: ICSL Variant Classification Criteria 13 December 2019. Collection method: clinical testing. Allele origin: germline.

PreventionGenetics, part of Exact Sciences
Classification: Likely benign for COL4A4-related condition. Last evaluated: 2019-12-31. Review status: no assertion criteria provided. Collection method: clinical testing. Allele origin: germline. Not counted in ClinVar's aggregate classification.
Comment: This variant is classified as likely benign based on ACMG/AMP sequence variant interpretation guidelines (Richards et al. 2015 PMID: 25741868, with internal and published modifications).

NM_000092.5(COL4A4):c.1353C>T (p.Gly451=)

Gene: COL4A4 (collagen type IV alpha 4 chain; minus strand). Cytogenetic location: 2q36.3.
Variant type: single nucleotide variant.
Coding change: c.1353C>T on transcript NM_000092.5 (MANE Select); coding-DNA position 1353, C replaced by T.
Protein change: p.Gly451=; no amino-acid change (glycine 451 retained).
Molecular consequence: synonymous variant.
Genome position (GRCh38, 1-based): chr2:227,094,141, G>A on the plus strand (C>T on the coding strand, the complement: COL4A4 is on the minus strand). VCF-style: chr2-227094141-G-A. GRCh37 (hg19) VCF-style: chr2-227958857-G-A.
Identifiers: ClinVar variation 512187 (VCV000512187.23), dbSNP rs199511948, ClinGen allele CA2145211.
Genomic context (GRCh38, chr2:227,094,141, plus strand): 5'-AAAGCAGCATAAATGCTAATGGATATGAATAAGGAGTACTTTACCACTTGATCCTGGGAG[G>A]CCCTGCAGGCCTGGTGCTCCAGGCAAGCCAGGTGATCCTGGCTTCCCTGGTTTTCCTGGA-3'
Protein context (NP_000083.3, residues 441-461): PGLPGAPGLQ[Gly451=]LPGSSVIYCS